The following is an entry in ClinVar:

ClinVar aggregate classification (germline): Uncertain significance. Review status: criteria provided, multiple submitters, no conflicts (2 of 4 stars). 2 submissions from 2 submitters: Uncertain significance (2). Last evaluated 2023-12-15.

Conditions:
Cardiovascular phenotype. Identifiers: MedGen CN230736.
Noonan syndrome 9 (NS9). Identifiers: Orphanet 648, MedGen C4225282, MONDO:0014691, OMIM 616559.

Submissions (2):

Ambry Genetics
Classification: Uncertain significance for Cardiovascular phenotype. Last evaluated: 2023-12-15. Review status: criteria provided, single submitter. Criteria: Ambry Variant Classification Scheme 2023. Collection method: clinical testing. Allele origin: germline.
Comment: The p.Q768H variant (also known as c.2304G>T), located in coding exon 14 of the SOS2 gene, results from a G to T substitution at nucleotide position 2304. The glutamine at codon 768 is replaced by histidine, an amino acid with highly similar properties. This amino acid position is conserved. In addition, this alteration is predicted to be tolerated by in silico analysis. Since supporting evidence is limited at this time, the clinical significance of this alteration remains unclear.

Labcorp Genetics (formerly Invitae), Labcorp
Classification: Uncertain significance for Noonan syndrome 9. Last evaluated: 2021-08-27. Review status: criteria provided, single submitter. Criteria: Invitae Variant Classification Sherloc (09022015). Collection method: clinical testing. Allele origin: germline.

NM_006939.4(SOS2):c.2304G>T (p.Gln768His)

Gene: SOS2 (SOS Ras/Rho guanine nucleotide exchange factor 2; minus strand). Cytogenetic location: 14q21.3.
Variant type: single nucleotide variant.
Coding change: c.2304G>T on transcript NM_006939.4 (MANE Select); coding-DNA position 2304, G replaced by T.
Protein change: p.Gln768His; replaces glutamine 768 with histidine.
Molecular consequence: missense variant.
Genome position (GRCh38, 1-based): chr14:50,150,088, C>A on the plus strand (G>T on the coding strand, the complement: SOS2 is on the minus strand). VCF-style: chr14-50150088-C-A. GRCh37 (hg19) VCF-style: chr14-50616806-C-A.
Other names: short protein forms Q768H.
Identifiers: ClinVar variation 565828 (VCV000565828.5), dbSNP rs778281839, ClinGen allele CA389643754.